The following is an entry in ClinVar:

ClinVar aggregate classification (germline): Uncertain significance (1 of 4 stars; one submission).

Allele frequency attached by ClinVar (database versions not stated): TOPMed 0.00001.
gnomAD v4.1: 4 of 1,604,124 alleles (0.00025%); highest among the groups gnomAD compares: Non-Finnish European, 0.00034%; no homozygotes.

Submission:

Labcorp Genetics (formerly Invitae), Labcorp
Classification: Uncertain significance. Last evaluated: 2020-12-31. Review status: criteria provided, single submitter. Criteria: Invitae Variant Classification Sherloc (09022015). Collection method: clinical testing. Allele origin: germline.
Comment: This variant has not been reported in the literature in individuals with GPAA1-related conditions. Algorithms developed to predict the effect of missense changes on protein structure and function are either unavailable or do not agree on the potential impact of this missense change (SIFT: "Tolerated"; PolyPhen-2: "Possibly Damaging"; Align-GVGD: "Class C0"). Algorithms developed to predict the effect of sequence changes on RNA splicing suggest that this variant may create or strengthen a splice site, but this prediction has not been confirmed by published transcriptional studies. In summary, the available evidence is currently insufficient to determine the role of this variant in disease. Therefore, it has been classified as a Variant of Uncertain Significance. This variant is not present in population databases (ExAC no frequency). This sequence change replaces alanine with valine at codon 470 of the GPAA1 protein (p.Ala470Val). The alanine residue is moderately conserved and there is a small physicochemical difference between alanine and valine.

NM_003801.4(GPAA1):c.1409C>T (p.Ala470Val)

Gene: GPAA1 (glycosylphosphatidylinositol anchor attachment 1; plus strand). Cytogenetic location: 8q24.3.
Variant type: single nucleotide variant.
Coding change: c.1409C>T on transcript NM_003801.4 (MANE Select); coding-DNA position 1409, C replaced by T.
Protein change: p.Ala470Val; replaces alanine 470 with valine.
Molecular consequence: missense variant.
Genome position (GRCh38, 1-based): chr8:144,085,437, C>T. VCF-style: chr8-144085437-C-T. GRCh37 (hg19) VCF-style: chr8-145140340-C-T.
Other names: short protein forms A470V.
Identifiers: ClinVar variation 1401413 (VCV001401413.8), dbSNP rs1229468024, ClinGen allele CA372504931.